The following is an entry in ClinVar:

ClinVar aggregate classification (germline): Pathogenic/Likely pathogenic. Review status: criteria provided, multiple submitters, no conflicts (2 of 4 stars). 9 submissions from 9 submitters: Pathogenic (2); Likely pathogenic (6). 1 of the submissions does not count toward it. Last evaluated 2026-09-17.

Conditions:
GJB2-related disorder. Also called: GJB2-related condition; GJB2-related disorders. Identifiers: MedGen CN382183, MONDO:1060236.
Rare genetic deafness. Identifiers: Orphanet 96210, MedGen C5680250.
Nonsyndromic genetic hearing loss. Also called: Nonsyndromic genetic deafness; Nonsyndromic hearing loss and deafness; Non-syndromic genetic deafness. Identifiers: Orphanet 87884, MedGen C5680182, MONDO:0019497.
Autosomal recessive nonsyndromic hearing loss 1A (DFNB1A). Also called: GJB2-Related Autosomal Recessive Nonsyndromic Hearing Loss; GJB6-Related DFNB 1 Nonsyndromic Hearing Loss and Deafness; Connexin 26 deafness; Deafness nonsyndromic, Connexin 26 linked; Deafness, autosomal recessive 1A; Nonsyndromic Hearing Loss and Deafness, DFNB1. Identifiers: Orphanet 90636, MedGen C2673759, MONDO:0009076, OMIM 220290.

Allele frequency attached by ClinVar (database versions not stated): ExAC 0.00001; gnomAD 0.00001; gnomAD exomes 0.00001 and 0.00002.

Submissions (9):

PreventionGenetics, part of Exact Sciences
Classification: Likely pathogenic for GJB2-related condition. Last evaluated: 2026-09-17. Review status: criteria provided, single submitter. Criteria: ACMG Guidelines, 2015. Collection method: clinical testing. Allele origin: germline.
Comment: The GJB2 c.239A>C variant is predicted to result in the amino acid substitution p.Gln80Pro. This variant has been reported with an additional GJB2 variant in multiple individuals with hearing loss (see for example: Yaeger et al. 2006. PubMed ID: 16532460; Sloan-Heggen et al. 2016. PubMed ID: 26969326; Kecskeméti et al. 2018. PubMed ID: 30094485; Table S2, Shen et al. 2019. PubMed ID: 31160754; supplementary file 2, Florentine et al. 2021. PubMed ID: 34515852). This variant is reported in 0.0040% of alleles in individuals of African descent in gnomAD, and it is consistently classified as pathogenic/likely pathogenic by several submitters to the ClinVar database (Variation ID: 177735). Additionally, alternate missense changes impacting the same amino acid (p.Gln80His, p.Gln80Lys, p.Gln80Arg, p.Gln80Glu, p.Gln80Leu) have also been reported in individuals with autosomal recessive hearing loss (see Table S1, Xiang et al. 2022. PubMed ID: 36048236). Given the evidence, the c.239A>C (p.Gln80Pro) variant is interpreted as likely pathogenic.

GeneDx
Classification: Likely pathogenic. Last evaluated: 2026-09-12. Review status: criteria provided, single submitter. Criteria: GeneDx Variant Classification Process June 2021. Collection method: clinical testing. Allele origin: germline.
Comment: Observed in unrelated patients with hearing loss in published literature, but additional information about genotype and phenotype is not available (PMID: 16380907, 17666888); Observed in a patient with bilateral Meniere's disease and hearing loss in published literature, but a second GJB2 variant was not identified (PMID: 41377690); Not observed at significant frequency in large population cohorts (gnomAD); In silico analysis supports that this missense variant has a deleterious effect on protein structure/function; This variant is associated with the following publications: (PMID: 30094485, 38868966, 34515852, 36048236, 12325027, 25388846, 17666888, 21738759, 16532460, 31160754, 16380907, 41377690)

Labcorp Genetics (formerly Invitae), Labcorp
Classification: Pathogenic. Last evaluated: 2025-06-11. Review status: criteria provided, single submitter. Criteria: Invitae Variant Classification Sherloc (09022015). Collection method: clinical testing. Allele origin: germline.
Comment: This sequence change replaces glutamine, which is neutral and polar, with proline, which is neutral and non-polar, at codon 80 of the GJB2 protein (p.Gln80Pro). This variant is present in population databases (rs727504302, gnomAD 0.004%). This missense change has been observed in individuals with autosomal recessive deafness (PMID: 16532460, 30094485). ClinVar contains an entry for this variant (Variation ID: 177735). Invitae Evidence Modeling of protein sequence and biophysical properties (such as structural, functional, and spatial information, amino acid conservation, physicochemical variation, residue mobility, and thermodynamic stability) indicates that this missense variant is expected to disrupt GJB2 protein function with a positive predictive value of 95%. This variant disrupts the p.Gln80 amino acid residue in GJB2. Other variant(s) that disrupt this residue have been determined to be pathogenic (PMID: 15855033, 30473554). This suggests that this residue is clinically significant, and that variants that disrupt this residue are likely to be disease-causing. For these reasons, this variant has been classified as Pathogenic.

Women's Health and Genetics/Laboratory Corporation of America, LabCorp
Classification: Pathogenic for Nonsyndromic genetic hearing loss. Last evaluated: 2025-01-21. Review status: criteria provided, single submitter. Criteria: LabCorp Variant Classification Summary - May 2015. Collection method: clinical testing. Allele origin: germline.
Comment: Variant summary: GJB2 c.239A>C (p.Gln80Pro) results in a non-conservative amino acid change in the encoded protein sequence. Five of five in-silico tools predict a damaging effect of the variant on protein function. The variant allele was found at a frequency of 1.2e-05 in 251406 control chromosomes. c.239A>C has been reported in the literature in multiple compound heterozygous individuals affected with Non-Syndromic Hearing Loss, or in affected heterozygous individuals without reported genotype or second variant (e.g. Yaeger_2006, Kecskemeti_2018, Snoeckx_2005, Ferraris_2002, Putcha_2007, Haraksingh_2014, Sloan-Heggen_2016, Shen_2019, Florentine_2021). These data indicate that the variant is very likely to be associated with disease. To our knowledge, no experimental evidence demonstrating an impact on protein function has been reported. The following publications have been ascertained in the context of this evaluation (PMID: 12325027, 34515852, 25528277, 30094485, 17666888, 31160754, 26969326, 16380907, 16532460). ClinVar contains an entry for this variant (Variation ID: 177735). Based on the evidence outlined above, the variant was classified as pathogenic.

Natera, Inc.
Classification: Likely pathogenic for Autosomal recessive deafness type 1A. Last evaluated: 2024-06-10. Review status: criteria provided, single submitter. Criteria: Natera Variant Classification Schema (03/2026). Collection method: clinical testing. Allele origin: germline.
Comment: The c.239A>C variant in GJB2 is a missense variant predicted to cause substitution of glutamine to proline at amino acid 80. This variant is rare in the general population with a frequency below the threshold expected for the associated phenotype(s). This variant has been observed in one or more individuals affected with the associated recessive disease, as either homozygous or compound heterozygous with a second variant (PMID: 26969326, 16532460, 31160754, 30094485). Computational prediction algorithms indicate this variant is likely to affect gene or protein function. Given the available evidence, this variant is classified as Likely Pathogenic.

Athena Diagnostics
Classification: Likely pathogenic. Last evaluated: 2020-03-18. Review status: criteria provided, single submitter. Criteria: Athena Diagnostics Criteria. Collection method: clinical testing. Allele origin: unknown.
Comment: The frequency of this variant in the general population is consistent with pathogenicity. Found in at least one patient with expected phenotype for this gene. Predicted to have a damaging effect on the protein. Statistically enriched in uncharacterized patients vs. unmatched population data. In multiple individuals, this variant has been seen with a single recessive pathogenic variant in the same gene, suggesting this variant may also be pathogenic.

Genomic Diagnostic Laboratory, Division of Genomic Diagnostics, Children's Hospital of Philadelphia
Classification: Likely pathogenic for Deafness, autosomal recessive 1A. Last evaluated: 2017-05-09. Review status: criteria provided, single submitter. Criteria: DGD Variant Analysis Guidelines. Collection method: clinical testing. Allele origin: germline. Affected: yes. Observed: 1 variant allele.

Laboratory for Molecular Medicine, Mass General Brigham Personalized Medicine
Classification: Likely pathogenic for Rare genetic deafness. Last evaluated: 2014-01-03. Review status: criteria provided, single submitter. Criteria: LMM Criteria. Collection method: clinical testing. Allele origin: germline. Inheritance: Autosomal recessive inheritance. Observed: 2 variant alleles.
Comment: The Gln80Pro variant in GJB2 has been reported in at least 2 individuals with he aring loss, one of whom is reported to also carry the pathogenic GJB6 deletion i n trans with this variant (Ferraris 2002, Snoeckx 2005, Rodriguez-Paris 2011). In addition , the Gln80Pro variant has not been identified in large population studies and c omputational analyses (biochemical amino acid properties, conservation, AlignGVG D, PolyPhen2, and SIFT) suggest that the Gln80Pro variant may impact the protein . In summary, this variant is likely pathogenic, though additional functional st udies are required to fully establish its clinical significance.

Counsyl
Classification: Likely pathogenic for Autosomal recessive nonsyndromic hearing loss 1A. Last evaluated: 2018-04-04. Review status: no assertion criteria provided. Collection method: clinical testing. Allele origin: unknown. Not counted in ClinVar's aggregate classification.

Literature cited by the submitters: PubMed 16532460 (cited by 5 submitters); PubMed 30094485 (cited by 4 submitters); PubMed 15855033 (cited by Labcorp Genetics (formerly Invitae), Labcorp); PubMed 30473554 (cited by Labcorp Genetics (formerly Invitae), Labcorp); PubMed 12325027 (cited by 3 submitters); PubMed 16380907 (cited by 4 submitters); PubMed 17666888 (cited by 3 submitters); PubMed 26969326 (cited by Women's Health and Genetics/Laboratory Corporation of America, LabCorp and Natera, Inc.); PubMed 31160754 (cited by Women's Health and Genetics/Laboratory Corporation of America, LabCorp and Natera, Inc.); PubMed 34515852 (cited by Women's Health and Genetics/Laboratory Corporation of America, LabCorp); PubMed 25528277 (cited by Women's Health and Genetics/Laboratory Corporation of America, LabCorp); PubMed 25388846 (cited by Athena Diagnostics); PubMed 21738759 (cited by 3 submitters); PubMed 25447126 (cited by Athena Diagnostics).

NM_004004.6(GJB2):c.239A>C (p.Gln80Pro)

Gene: GJB2 (gap junction protein beta 2; minus strand). Cytogenetic location: 13q12.11.
Variant type: single nucleotide variant.
Coding change: c.239A>C on transcript NM_004004.6 (MANE Select); coding-DNA position 239, A replaced by C.
Protein change: p.Gln80Pro; replaces glutamine 80 with proline.
Molecular consequence: missense variant.
Genome position (GRCh38, 1-based): chr13:20,189,343, T>G on the plus strand (A>C on the coding strand, the complement: GJB2 is on the minus strand). VCF-style: chr13-20189343-T-G. GRCh37 (hg19) VCF-style: chr13-20763482-T-G.
Other names: short protein forms Q80P.
Identifiers: ClinVar variation 177735 (VCV000177735.20), dbSNP rs727504302, ClinGen allele CA273446.